The following is an entry in ClinVar:

NM_001378183.1(PIEZO2):c.5075A>G (p.Lys1692Arg)

Gene: PIEZO2 (piezo type mechanosensitive ion channel component 2; minus strand). Cytogenetic location: 18p11.22.
Variant type: single nucleotide variant.
Coding change: c.5075A>G on transcript NM_001378183.1 (MANE Select); coding-DNA position 5075, A replaced by G.
Protein change: p.Lys1692Arg; replaces lysine 1692 with arginine.
Molecular consequence: missense variant.
Genome position (GRCh38, 1-based): chr18:10,718,214, T>C on the plus strand (A>G on the coding strand, the complement: PIEZO2 is on the minus strand). VCF-style: chr18-10718214-T-C. GRCh37 (hg19) VCF-style: chr18-10718212-T-C.
Other names: c.4976A>G, p.Lys1659Arg (NM_001410871.1); c.4901A>G, p.Lys1634Arg (NM_022068.4); short protein forms K1634R, K1659R, K1692R.
Identifiers: ClinVar variation 4849718 (VCV004849718.1).

ClinVar aggregate classification (germline): Uncertain significance (1 of 4 stars; one submission).

Conditions:
Arthrogryposis- oculomotor limitation-electroretinal anomalies syndrome. Also called: ARTHROGRYPOSIS, DISTAL, TYPE 5; ARTHROGRYPOSIS WITH OCULOMOTOR LIMITATION AND ELECTRORETINAL ABNORMALITIES; ARTHROGRYPOSIS, DISTAL, TYPE IIB. Identifiers: Orphanet 1154, MedGen C1862472, MONDO:0007158, OMIM 108145.
Gordon syndrome (DA3). Also called: Gordon's syndrome; ARTHROGRYPOSIS MULTIPLEX CONGENITA, DISTAL, TYPE IIA; CAMPTODACTYLY, CLEFT PALATE, AND CLUBFOOT. Identifiers: Orphanet 376, MedGen C0220666, MONDO:0007252, OMIM 114300.
Marden-Walker syndrome (MWKS). Also called: Connective tissue disorder Marden Walker type. Identifiers: Orphanet 2461, MedGen C0796033, MONDO:0009564, OMIM 248700.

gnomAD v4.1: 13 of 1,536,870 alleles (0.00085%); highest among the groups gnomAD compares: South Asian, 0.013%; no homozygotes.

Submission:

Diagnostics Services (NGS), CSIR - Centre For Cellular And Molecular Biology
Classification: Uncertain significance for Marden-Walker syndrome; Arthrogryposis- oculomotor limitation-electroretinal anomalies syndrome; Gordon syndrome. Last evaluated: 2025-12-09. Review status: criteria provided, single submitter. Criteria: ACMG Guidelines, 2015. Collection method: clinical testing. Allele origin: germline. Affected: yes. Observed: 1 variant allele, 1 heterozygote.
Comment: The c.5075A>G variant is not present in publicly available population databases like 1000 Genomes, EVS, Indian Exome Database or our internal database. The variant is present in gnomAD, at low frequencies. This variant has neither been published in the literature for PIEZO2-related conditions nor reported to clinical databases like Human Genome Mutation database (HGMD), ClinVar or OMIM in any affected individuals. In-silico pathogenicity prediction programs like MutationTaster2021, CADD, etc predicted this variant to be likely deleterious however these predictions were not confirmed by published functional studies.